The following is an entry in ClinVar:

NM_002778.4(PSAP):c.1093G>T (p.Gly365Cys)

Gene: PSAP (prosaposin; minus strand). Cytogenetic location: 10q22.1.
Variant type: single nucleotide variant.
Coding change: c.1093G>T on transcript NM_002778.4 (MANE Select); coding-DNA position 1093, G replaced by T.
Protein change: p.Gly365Cys; replaces glycine 365 with cysteine.
Molecular consequence: missense variant.
Genome position (GRCh38, 1-based): chr10:71,819,813, C>A on the plus strand (G>T on the coding strand, the complement: PSAP is on the minus strand). VCF-style: chr10-71819813-C-A. GRCh37 (hg19) VCF-style: chr10-73579570-C-A.
Other names: c.1102G>T, p.Gly368Cys (NM_001042465.3); c.1099G>T, p.Gly367Cys (NM_001042466.3); short protein forms G367C, G368C, G365C.
Identifiers: ClinVar variation 1373720 (VCV001373720.5), dbSNP rs747170456, ClinGen allele CA5547482.
Genomic context (GRCh38, chr10:71,819,813, plus strand): 5'-GCATGCTGCACACCAGCTCAGGGCTGACCTCCTCCAGCAGGATGGACAGGATGGAGCTGC[C>A]GTACGTGTCCACCACCTCCTGGCACTCTTCCGACAGGGACTTCGGCAGCTTCGAGCACAT-3'
Protein context (NP_002769.1, residues 355-375): EECQEVVDTY[Gly365Cys]SSILSILLEE

ClinVar aggregate classification (germline): Uncertain significance (1 of 4 stars; one submission).

Conditions:
Sphingolipid activator protein 1 deficiency. Also called: Metachromatic leukodystrophy due to saposin B deficiency; Saposin B Deficiency; METACHROMATIC LEUKODYSTROPHY DUE TO CEREBROSIDE SULFATASE ACTIVATOR DEFICIENCY. Identifiers: Orphanet 512, MedGen C0268262, MONDO:0009590, OMIM 249900.

Allele frequency attached by ClinVar (database versions not stated): ExAC 0.00001; gnomAD 0.00001.
gnomAD v4.1: 49 of 1,613,898 alleles (0.003%); highest among the groups gnomAD compares: Non-Finnish European, 0.0041%; no homozygotes.

Submission:

Labcorp Genetics (formerly Invitae), Labcorp
Classification: Uncertain significance for Sphingolipid activator protein 1 deficiency. Last evaluated: 2022-07-30. Review status: criteria provided, single submitter. Criteria: Invitae Variant Classification Sherloc (09022015). Collection method: clinical testing. Allele origin: germline.
Comment: This sequence change replaces glycine, which is neutral and non-polar, with cysteine, which is neutral and slightly polar, at codon 365 of the PSAP protein (p.Gly365Cys). This variant is not present in population databases (gnomAD no frequency). This variant has not been reported in the literature in individuals affected with PSAP-related conditions. ClinVar contains an entry for this variant (Variation ID: 1373720). Algorithms developed to predict the effect of missense changes on protein structure and function are either unavailable or do not agree on the potential impact of this missense change (SIFT: "Not Available"; PolyPhen-2: "Probably Damaging"; Align-GVGD: "Not Available"). In summary, the available evidence is currently insufficient to determine the role of this variant in disease. Therefore, it has been classified as a Variant of Uncertain Significance.